The following is an entry in ClinVar:

ClinVar aggregate classification (germline): Uncertain significance. Review status: criteria provided, multiple submitters, no conflicts (2 of 4 stars). 2 submissions from 2 submitters: Uncertain significance (2). Last evaluated 2024-06-02.

Conditions:
DICER1-related tumor predisposition. Also called: DICER1-related pleuropulmonary blastoma cancer predisposition syndrome; DICER1 syndrome. Identifiers: Orphanet 284343, MedGen C3839822, MONDO:0100216.
Hereditary cancer-predisposing syndrome. Also called: Hereditary Cancer Syndrome; Neoplastic Syndromes, Hereditary; Hereditary neoplastic syndrome; Tumor predisposition. Identifiers: Orphanet 140162, MedGen C0027672, MeSH D009386, MONDO:0015356.

Submissions (2):

Labcorp Genetics (formerly Invitae), Labcorp
Classification: Uncertain significance for DICER1-related tumor predisposition. Last evaluated: 2024-06-02. Review status: criteria provided, single submitter. Criteria: Invitae Variant Classification Sherloc (09022015). Collection method: clinical testing. Allele origin: germline.
Comment: This sequence change replaces tyrosine, which is neutral and polar, with cysteine, which is neutral and slightly polar, at codon 1059 of the DICER1 protein (p.Tyr1059Cys). This variant is not present in population databases (gnomAD no frequency). This variant has not been reported in the literature in individuals affected with DICER1-related conditions. ClinVar contains an entry for this variant (Variation ID: 823079). Advanced modeling of protein sequence and biophysical properties (such as structural, functional, and spatial information, amino acid conservation, physicochemical variation, residue mobility, and thermodynamic stability) performed at Invitae indicates that this missense variant is expected to disrupt DICER1 protein function with a positive predictive value of 80%. In summary, the available evidence is currently insufficient to determine the role of this variant in disease. Therefore, it has been classified as a Variant of Uncertain Significance.

Ambry Genetics
Classification: Uncertain significance for Hereditary cancer-predisposing syndrome. Last evaluated: 2019-06-28. Review status: criteria provided, single submitter. Criteria: Ambry Variant Classification Scheme 2023. Collection method: clinical testing. Allele origin: germline.
Comment: The p.Y1059C variant (also known as c.3176A>G), located in coding exon 19 of the DICER1 gene, results from an A to G substitution at nucleotide position 3176. The tyrosine at codon 1059 is replaced by cysteine, an amino acid with highly dissimilar properties. This amino acid position is highly conserved in available vertebrate species. In addition, the in silico prediction for this alteration is inconclusive. Since supporting evidence is limited at this time, the clinical significance of this alteration remains unclear.

NM_177438.3(DICER1):c.3176A>G (p.Tyr1059Cys)

Gene: DICER1 (dicer 1, ribonuclease III; minus strand). Cytogenetic location: 14q32.13.
Variant type: single nucleotide variant.
Coding change: c.3176A>G on transcript NM_177438.3 (MANE Select); coding-DNA position 3176, A replaced by G.
Protein change: p.Tyr1059Cys; replaces tyrosine 1059 with cysteine.
Molecular consequence: missense variant.
Genome position (GRCh38, 1-based): chr14:95,105,164, T>C on the plus strand (A>G on the coding strand, the complement: DICER1 is on the minus strand). VCF-style: chr14-95105164-T-C. GRCh37 (hg19) VCF-style: chr14-95571501-T-C.
Other names: c.3176A>G, p.Tyr1059Cys (NM_001195573.1, NM_001271282.3, NM_001291628.2 and 1 more transcripts); short protein forms Y1059C.
Identifiers: ClinVar variation 823079 (VCV000823079.6), dbSNP rs1595370930, ClinGen allele CA390876644.